The following is an entry in ClinVar:

ClinVar aggregate classification (germline): Uncertain significance. Review status: criteria provided, multiple submitters, no conflicts (2 of 4 stars). 2 submissions from 2 submitters: Uncertain significance (2). Last evaluated 2026-04-08.

Conditions:
Fanconi anemia complementation group J. Also called: BRIP1-Related Fanconi Anemia. Identifiers: Orphanet 84, MedGen C1836860, MONDO:0012187, OMIM 609054.
Familial cancer of breast. Also called: BREAST CANCER, FAMILIAL; Hereditary breast cancer; hereditary breast carcinoma. Identifiers: Orphanet 227535, MedGen C0346153, MONDO:0016419, OMIM 114480. Disease mechanism: loss of function.
Hereditary cancer-predisposing syndrome. Also called: Hereditary neoplastic syndrome; Neoplastic Syndromes, Hereditary; Tumor predisposition; Hereditary Cancer Syndrome. Identifiers: Orphanet 140162, MedGen C0027672, MeSH D009386, MONDO:0015356.

Submissions (2):

Ambry Genetics
Classification: Uncertain significance for Hereditary cancer-predisposing syndrome. Last evaluated: 2026-04-08. Review status: criteria provided, single submitter. Criteria: Ambry Variant Classification Scheme 2023. Collection method: clinical testing. Allele origin: germline.
Comment: The p.S542I variant (also known as c.1625G>T), located in coding exon 10 of the BRIP1 gene, results from a G to T substitution at nucleotide position 1625. The serine at codon 542 is replaced by isoleucine, an amino acid with dissimilar properties. This amino acid position is conserved. In addition, this alteration is predicted to be tolerated by in silico analysis. Based on the available evidence, the clinical significance of this variant remains unclear.

Labcorp Genetics (formerly Invitae), Labcorp
Classification: Uncertain significance for Familial cancer of breast; Fanconi anemia complementation group J. Last evaluated: 2025-08-20. Review status: criteria provided, single submitter. Criteria: Invitae Variant Classification Sherloc (09022015). Collection method: clinical testing. Allele origin: germline.
Comment: This sequence change replaces serine, which is neutral and polar, with isoleucine, which is neutral and non-polar, at codon 542 of the BRIP1 protein (p.Ser542Ile). This variant is not present in population databases (gnomAD no frequency). This variant has not been reported in the literature in individuals affected with BRIP1-related conditions. Invitae Evidence Modeling of protein sequence and biophysical properties (such as structural, functional, and spatial information, amino acid conservation, physicochemical variation, residue mobility, and thermodynamic stability) has been performed for this missense variant. However, the output from this modeling did not meet the statistical confidence thresholds required to predict the impact of this variant on BRIP1 protein function. In summary, the available evidence is currently insufficient to determine the role of this variant in disease. Therefore, it has been classified as a Variant of Uncertain Significance.

NM_032043.3(BRIP1):c.1625G>T (p.Ser542Ile)

Gene: BRIP1 (BRCA1 interacting DNA helicase 1; minus strand). Cytogenetic location: 17q23.2.
Variant type: single nucleotide variant.
Coding change: c.1625G>T on transcript NM_032043.3 (MANE Select); coding-DNA position 1625, G replaced by T.
Protein change: p.Ser542Ile; replaces serine 542 with isoleucine.
Molecular consequence: missense variant.
Genome position (GRCh38, 1-based): chr17:61,784,273, C>A on the plus strand (G>T on the coding strand, the complement: BRIP1 is on the minus strand). VCF-style: chr17-61784273-C-A. GRCh37 (hg19) VCF-style: chr17-59861634-C-A.
Other names: short protein forms S542I.
Identifiers: ClinVar variation 4793557 (VCV004793557.2).
Genomic context (GRCh38, chr17:61,784,273, plus strand): 5'-AGCATCCAAATTAGGCTATTTTTAAAAGGAAAATACATACTAGTTATCTTCACTTACCTG[C>A]TATTTTGCCTAAAAAGATAGTCAAGTACCATAAAAAGTCCTTTAAGCATTATTTGAGTTG-3'
Protein context (NP_114432.2, residues 532-552): MVLDYLFRQN[Ser542Ile]RFADDYKIAI